The following is an entry in ClinVar:

ClinVar aggregate classification (germline): Likely pathogenic. Review status: reviewed by expert panel (3 of 4 stars). 3 submissions from 3 submitters: Likely pathogenic (1). 2 of the submissions do not count toward it. Last evaluated 2025-08-15.

Conditions:
Thrombophilia, X-linked, due to factor 9 defect. Identifiers: MedGen C2749016, MONDO:0010432, OMIM 300807.
Hereditary factor IX deficiency disease (HEMB). Also called: Hemophilia B; F9 DEFICIENCY; FACTOR IX DEFICIENCY; PLASMA THROMBOPLASTIN COMPONENT DEFICIENCY; Christmas Disease. Identifiers: Orphanet 98879, MedGen C0008533, MeSH D002836, MONDO:0010604, OMIM 306900.
Hereditary factor VIII deficiency disease (HEMA). Also called: AUTOSOMAL HEMOPHILIA A; Hemophilia A, congenital; HEM A; Factor 8 deficiency, congenital; HEMOPHILIA, CLASSIC; Hemophilia A. Identifiers: Orphanet 98878, MedGen C0019069, MONDO:0010602, OMIM 306700.

Submissions (3):

ClinGen Coagulation Factor Deficiency Variant Curation Expert Panel, Clingen
Classification: Likely pathogenic for Hereditary factor IX deficiency disease. Last evaluated: 2025-08-15. Review status: reviewed by expert panel. Criteria: ClinGen CoagFactor ACMG Specifications F9 V1.0.0. Collection method: curation. Allele origin: germline. Inheritance: X-linked inheritance.
Comment: The F9 c.1106T>C, p.Leu369Pro is completely absent from gnomAD v2.1.1 and v3.1.2, meeting PM2_Supporting. The computational predictor REVEL gives a score of 0.948 and has a SpliceAI score of 0, meeting PP3 criteria (>=0.6). This variant has been reported in 5 probands meeting phenotypic criteria for hemophilia B (PS4_moderate; EAHAD Database, PMID: 31064749, PMID: 19699296). In summary, this variant meets the criteria to be classified as likely pathogenic for hemophilia B based on the ACMG/AMP criteria applied, as specified by the ClinGen Coagulation Factor Deficiency VCEP ClinGen Coagulation Factor Deficiency VCEP F9 (version 1.0.0, released 10/5/2023): PS4, PM2_Supporting, PP3.

Labcorp Genetics (formerly Invitae), Labcorp
Classification: Likely pathogenic for Thrombophilia, X-linked, due to factor 9 defect; Hereditary factor IX deficiency disease. Last evaluated: 2020-05-23. Review status: criteria provided, single submitter. Criteria: Invitae Variant Classification Sherloc (09022015). Collection method: clinical testing. Allele origin: germline. Not counted in ClinVar's aggregate classification.
Comment: This variant disrupts the p.Leu369 amino acid residue in F9. Other variant(s) that disrupt this residue have been observed in individuals with F9-related conditions (PMID: 15921378, 17014892), which suggests that this may be a clinically significant amino acid residue. This sequence change replaces leucine with proline at codon 369 of the F9 protein (p.Leu369Pro). The leucine residue is highly conserved and there is a moderate physicochemical difference between leucine and proline. This variant is not present in population databases (ExAC no frequency). This variant has been observed in individual(s) with hemophilia B (PMID: 19699296, 27865967). This variant is also referred to as p.Leu323Pro in the literature. ClinVar contains an entry for this variant (Variation ID: 626973). Algorithms developed to predict the effect of missense changes on protein structure and function (SIFT, PolyPhen-2, Align-GVGD) all suggest that this variant is likely to be disruptive, but these predictions have not been confirmed by published functional studies and their clinical significance is uncertain. In summary, the currently available evidence indicates that the variant is pathogenic, but additional data are needed to prove that conclusively. Therefore, this variant has been classified as Likely Pathogenic.

NIHR Bioresource Rare Diseases, University of Cambridge
Classification: Likely pathogenic for Hereditary factor VIII deficiency disease. Last evaluated: 2019-02-01. Review status: criteria provided, single submitter. Criteria: ACMG Guidelines, 2015. Collection method: research. Allele origin: unknown. Affected: yes. Observed: 1 heterozygote. Study: ThromboGenomics. Not counted in ClinVar's aggregate classification.

Literature cited by the submitters: PubMed 15921378 (cited by Labcorp Genetics (formerly Invitae), Labcorp); PubMed 17014892 (cited by Labcorp Genetics (formerly Invitae), Labcorp); PubMed 19699296 (cited by Labcorp Genetics (formerly Invitae), Labcorp); PubMed 27865967 (cited by Labcorp Genetics (formerly Invitae), Labcorp); PubMed 31064749 (cited by NIHR Bioresource Rare Diseases, University of Cambridge).

NM_000133.4(F9):c.1106T>C (p.Leu369Pro)

Gene: F9 (coagulation factor IX; plus strand). Cytogenetic location: Xq27.1.
Variant type: single nucleotide variant.
Coding change: c.1106T>C on transcript NM_000133.4 (MANE Select); coding-DNA position 1106, T replaced by C.
Protein change: p.Leu369Pro; replaces leucine 369 with proline.
Molecular consequence: missense variant.
Genome position (GRCh38, 1-based): chrX:139,561,791, T>C. VCF-style: chrX-139561791-T-C. GRCh37 (hg19) VCF-style: chrX-138643950-T-C.
Other names: NM_000133.4(F9):c.1106T>C; p.Leu369Pro; c.992T>C, p.Leu331Pro (NM_001313913.2); short protein forms L369P, L331P.
Identifiers: ClinVar variation 626973 (VCV000626973.8), dbSNP rs1603267393, ClinGen allele CA414445922.